The following is an entry in ClinVar:

ClinVar aggregate classification (germline): Uncertain significance (1 of 4 stars; one submission).

Submission:

GeneDx
Classification: Uncertain significance. Last evaluated: 2021-01-11. Review status: criteria provided, single submitter. Criteria: GeneDx Variant Classification Process June 2021. Collection method: clinical testing. Allele origin: germline. Affected: yes.
Comment: Not observed in large population cohorts (Lek et al., 2016); In silico analysis supports that this missense variant has a deleterious effect on protein structure/function; Has not been previously published as pathogenic or benign to our knowledge

NM_007118.4(TRIO):c.4607A>C (p.Lys1536Thr)

Gene: TRIO (trio Rho guanine nucleotide exchange factor; plus strand). Cytogenetic location: 5p15.2.
Variant type: single nucleotide variant.
Coding change: c.4607A>C on transcript NM_007118.4 (MANE Select); coding-DNA position 4607, A replaced by C.
Protein change: p.Lys1536Thr; replaces lysine 1536 with threonine.
Molecular consequence: missense variant. On other transcripts: non-coding transcript variant (1).
Genome position (GRCh38, 1-based): chr5:14,399,063, A>C. VCF-style: chr5-14399063-A-C. GRCh37 (hg19) VCF-style: chr5-14399172-A-C.
Other names: short protein forms K1536T.
Identifiers: ClinVar variation 1313805 (VCV001313805.2), dbSNP rs2152373843, ClinGen allele CA359234940.